The following is an entry in ClinVar:

ClinVar aggregate classification (germline): Uncertain significance (1 of 4 stars; one submission).

Conditions:
Alstrom syndrome (ALMS). Identifiers: Orphanet 64, MedGen C0268425, MONDO:0008763, OMIM 203800.

Submission:

Labcorp Genetics (formerly Invitae), Labcorp
Classification: Uncertain significance for Alstrom syndrome. Last evaluated: 2022-11-08. Review status: criteria provided, single submitter. Criteria: Invitae Variant Classification Sherloc (09022015). Collection method: clinical testing. Allele origin: germline.
Comment: In summary, the available evidence is currently insufficient to determine the role of this variant in disease. Therefore, it has been classified as a Variant of Uncertain Significance. Experimental studies and prediction algorithms are not available or were not evaluated, and the functional significance of this variant is currently unknown. This variant has not been reported in the literature in individuals affected with ALMS1-related conditions. This variant is not present in population databases (gnomAD no frequency). This sequence change replaces glutamine, which is neutral and polar, with arginine, which is basic and polar, at codon 219 of the ALMS1 protein (p.Gln219Arg).

NM_001378454.1(ALMS1):c.653A>G (p.Gln218Arg)

Gene: ALMS1 (ALMS1 centrosome and basal body associated protein; plus strand). Cytogenetic location: 2p13.1.
Variant type: single nucleotide variant.
Coding change: c.653A>G on transcript NM_001378454.1 (MANE Select); coding-DNA position 653, A replaced by G.
Protein change: p.Gln218Arg; replaces glutamine 218 with arginine.
Molecular consequence: missense variant.
Genome position (GRCh38, 1-based): chr2:73,422,863, A>G. VCF-style: chr2-73422863-A-G. GRCh37 (hg19) VCF-style: chr2-73649991-A-G.
Other names: c.656A>G, p.Gln219Arg (NM_015120.4); short protein forms Q218R, Q219R.
Identifiers: ClinVar variation 2116555 (VCV002116555.4), dbSNP rs2466043433, ClinGen allele CA347259926.